The following is an entry in ClinVar:

NM_000051.4(ATM):c.8622G>C (p.Gln2874His)

Genes: ATM (ATM serine/threonine kinase; plus strand), C11orf65 (chromosome 11 open reading frame 65; minus strand). Cytogenetic location: 11q22.3.
Variant type: single nucleotide variant.
Coding change: c.8622G>C on transcript NM_000051.4 (MANE Select); coding-DNA position 8622, G replaced by C.
Protein change: p.Gln2874His; replaces glutamine 2874 with histidine.
Molecular consequence: missense variant. On other transcripts: intron variant (2).
Genome position (GRCh38, 1-based): chr11:108,347,316, G>C. VCF-style: chr11-108347316-G-C. GRCh37 (hg19) VCF-style: chr11-108218043-G-C.
Other names: c.8622G>C, p.Gln2874His (NM_001351834.2); c.641-38245C>G (NM_001330368.2); c.695-12024C>G (NM_001351110.2); short protein forms Q2874H.
Identifiers: ClinVar variation 922240 (VCV000922240.6), dbSNP rs2088552485, ClinGen allele CA382520746.

ClinVar aggregate classification (germline): Uncertain significance (1 of 4 stars; one submission).

Conditions:
Hereditary cancer-predisposing syndrome. Also called: Tumor predisposition; Neoplastic Syndromes, Hereditary; Hereditary neoplastic syndrome; Hereditary Cancer Syndrome. Identifiers: Orphanet 140162, MedGen C0027672, MeSH D009386, MONDO:0015356.

Submission:

Color Diagnostics, LLC DBA Color Health
Classification: Uncertain significance for Hereditary cancer-predisposing syndrome. Last evaluated: 2023-12-05. Review status: criteria provided, single submitter. Criteria: ACMG Guidelines, 2015. Collection method: clinical testing. Allele origin: germline.
Comment: This missense variant replaces glutamine with histidine at codon 2874 of the ATM protein. Computational prediction tools and conservation analyses are inconclusive regarding the impact of this variant on protein structure and function. Splice site prediction tools suggest that this variant may not impact RNA splicing. To our knowledge, functional studies have not been performed for this variant. This variant has not been reported in individuals affected with hereditary cancer in the literature. This variant has not been identified in the general population by the Genome Aggregation Database (gnomAD). The available evidence is insufficient to determine the role of this variant in disease conclusively. Therefore, this variant is classified as a Variant of Uncertain Significance.